The following is an entry in ClinVar:

ClinVar aggregate classification (germline): Uncertain significance (1 of 4 stars; one submission).

Conditions:
Kabuki syndrome. Also called: Kabuki make-up syndrome; NIIKAWA-KUROKI SYNDROME. Identifiers: Orphanet 2322, MedGen C0796004, MONDO:0016512.

Submission:

Labcorp Genetics (formerly Invitae), Labcorp
Classification: Uncertain significance for Kabuki syndrome. Last evaluated: 2025-09-02. Review status: criteria provided, single submitter. Criteria: Invitae Variant Classification Sherloc (09022015). Collection method: clinical testing. Allele origin: germline.
Comment: This sequence change replaces serine, which is neutral and polar, with leucine, which is neutral and non-polar, at codon 2455 of the KMT2D protein (p.Ser2455Leu). This variant is not present in population databases (gnomAD no frequency). This variant has not been reported in the literature in individuals affected with KMT2D-related conditions. Invitae Evidence Modeling of protein sequence and biophysical properties (such as structural, functional, and spatial information, amino acid conservation, physicochemical variation, residue mobility, and thermodynamic stability) indicates that this missense variant is not expected to disrupt KMT2D protein function with a negative predictive value of 95%. In summary, the available evidence is currently insufficient to determine the role of this variant in disease. Therefore, it has been classified as a Variant of Uncertain Significance.

NM_003482.4(KMT2D):c.7364C>T (p.Ser2455Leu)

Gene: KMT2D (lysine methyltransferase 2D; minus strand). Cytogenetic location: 12q13.12.
Variant type: single nucleotide variant.
Coding change: c.7364C>T on transcript NM_003482.4 (MANE Select); coding-DNA position 7364, C replaced by T.
Protein change: p.Ser2455Leu; replaces serine 2455 with leucine.
Molecular consequence: missense variant.
Genome position (GRCh38, 1-based): chr12:49,040,406, G>A on the plus strand (C>T on the coding strand, the complement: KMT2D is on the minus strand). VCF-style: chr12-49040406-G-A. GRCh37 (hg19) VCF-style: chr12-49434189-G-A.
Other names: short protein forms S2455L.
Identifiers: ClinVar variation 4764583 (VCV004764583.1).